The following is an entry in ClinVar:

NM_000135.4(FANCA):c.284-2A>C

Gene: FANCA (FA complementation group A; minus strand). Cytogenetic location: 16q24.3.
Variant type: single nucleotide variant.
Coding change: c.284-2A>C on transcript NM_000135.4 (MANE Select); the canonical splice acceptor site of the intron before coding-DNA position 284, A replaced by C.
Molecular consequence: splice acceptor variant.
Genome position (GRCh38, 1-based): chr16:89,811,073, T>G on the plus strand (A>C on the coding strand, the complement: FANCA is on the minus strand). VCF-style: chr16-89811073-T-G. GRCh37 (hg19) VCF-style: chr16-89877481-T-G.
Other names: c.284-2A>C (NM_000135.3, NM_001286167.3, NM_001351830.2 and 1 more transcripts).
Identifiers: ClinVar variation 2142489 (VCV002142489.5), dbSNP rs756023006, ClinGen allele CA8253074.
Genomic context (GRCh38, chr16:89,811,073, plus strand): 5'-GGCTGAGAGAATACCCACGGGAACCCCCAGCCTTGAGGCTTGATCCTGCAAAGCAGAGCC[T>G]TAAACACAAAACAAAACCATAGCTTTCTCTTAACACATGAGACAAAATCTAAAACCAAAG-3'

ClinVar aggregate classification (germline): Pathogenic/Likely pathogenic. Review status: criteria provided, multiple submitters, no conflicts (2 of 4 stars). 3 submissions from 3 submitters: Pathogenic (1); Likely pathogenic (2). Last evaluated 2026-01-20.

Conditions:
Fanconi anemia (FA). Also called: Fanconi's anemia. Identifiers: Orphanet 84, MedGen C0015625, MeSH D005199, MONDO:0019391.
Fanconi anemia complementation group A (FANCA). Also called: FANCA-Related Fanconi Anemia; Fanconi anemia, group A. Identifiers: Orphanet 84, MedGen C3469521, MONDO:0009215, OMIM 227650.

Allele frequency attached by ClinVar (database versions not stated): gnomAD exomes below 0.00001; ExAC 0.00001.
gnomAD v4.1: 1 of 1,613,964 alleles (0.000062%); highest among the groups gnomAD compares: South Asian, 0.0011%; no homozygotes.

Submissions (3):

Labcorp Genetics (formerly Invitae), Labcorp
Classification: Likely pathogenic for Fanconi anemia. Last evaluated: 2026-01-20. Review status: criteria provided, single submitter. Criteria: Invitae Variant Classification Sherloc (09022015). Collection method: clinical testing. Allele origin: germline.
Comment: This sequence change affects an acceptor splice site in intron 3 of the FANCA gene. It is expected to disrupt RNA splicing. Variants that disrupt the donor or acceptor splice site typically lead to a loss of protein function (PMID: 16199547), and loss-of-function variants in FANCA are known to be pathogenic (PMID: 19367192). This variant is present in population databases (rs756023006, gnomAD 0.003%). Disruption of this splice site has been observed in individual(s) with clinical features of Fanconi anemia (PMID: 29098742, 36894310). ClinVar contains an entry for this variant (Variation ID: 2142489). Algorithms developed to predict the effect of sequence changes on RNA splicing suggest that this variant may disrupt the consensus splice site. In summary, the currently available evidence indicates that the variant is pathogenic, but additional data are needed to prove that conclusively. Therefore, this variant has been classified as Likely Pathogenic.

Natera, Inc.
Classification: Pathogenic for Fanconi anemia. Last evaluated: 2024-11-04. Review status: criteria provided, single submitter. Criteria: Natera Variant Classification Schema (03/2026). Collection method: clinical testing. Allele origin: germline.
Comment: The c.284-2A>C variant in FANCA is a canonical splice acceptor site variant predicted to affect pre-mRNA splicing, which may result in an abnormal transcript and altered protein product. This variant is expected to result in nonsense mediated decay, truncation, or a dysfunctional protein product. This variant is rare in the general population with a frequency below the threshold expected for the associated phenotype(s). This variant has been observed in one or more individuals affected with the associated recessive disease, as either homozygous or compound heterozygous with a second variant (PMID: 36894310). Given the available evidence, this variant is classified as Pathogenic.

Neuberg Centre For Genomic Medicine, NCGM
Classification: Likely pathogenic for Fanconi anemia complementation group A. Review status: criteria provided, single submitter. Criteria: ACMG Guidelines, 2015. Collection method: clinical testing. Allele origin: germline. Inheritance: Autosomal recessive inheritance. Affected: yes.
Comment: The splice site variant c.284-2A>C in FANCA gene has not been reported previously as a pathogenic variant nor as a benign variant, to our knowledge. The c.284-2A>C variant is novel (not in any individuals) in 1000 Genomes and allele frequency of 0.0003990% is reported in gnomAD. The variant affects an invariant splice nucleotide and is expected to cause loss of function. Loss of function variants have been previously reported to be disease causing. For these reasons, this variant has been classified as Likely Pathogenic .

Literature cited by the submitters: PubMed 16199547 (cited by Labcorp Genetics (formerly Invitae), Labcorp); PubMed 19367192 (cited by Labcorp Genetics (formerly Invitae), Labcorp); PubMed 29098742 (cited by Labcorp Genetics (formerly Invitae), Labcorp); PubMed 36894310 (cited by Labcorp Genetics (formerly Invitae), Labcorp and Natera, Inc.).